The following is an entry in ClinVar:

NM_022124.6(CDH23):c.1484T>G (p.Val495Gly)

Gene: CDH23 (cadherin related 23; plus strand). Cytogenetic location: 10q22.1.
Variant type: single nucleotide variant.
Coding change: c.1484T>G on transcript NM_022124.6 (MANE Select); coding-DNA position 1484, T replaced by G.
Protein change: p.Val495Gly; replaces valine 495 with glycine.
Molecular consequence: missense variant.
Genome position (GRCh38, 1-based): chr10:71,675,146, T>G. VCF-style: chr10-71675146-T-G. GRCh37 (hg19) VCF-style: chr10-73434903-T-G.
Other names: c.1484T>G, p.Val495Gly (NM_001171930.2, NM_001171931.2); short protein forms V495G.
Identifiers: ClinVar variation 1065106 (VCV001065106.3), dbSNP rs2132664465, ClinGen allele CA377129767.
Genomic context (GRCh38, chr10:71,675,146, plus strand): 5'-ATGACTTCTTGTTCTCGCTGTTGCAGGCAACTGACAATGATGCAGGCACCTTTGGGGAAG[T>G]CAGCTACTTCTTCAGTGATGACCCTGACAGGTGAGACTCTGCCCACAGCCCCTCAGGCCC-3'
Protein context (NP_071407.4, residues 485-505): TDNDAGTFGE[Val495Gly]SYFFSDDPDR

ClinVar aggregate classification (germline): Uncertain significance (1 of 4 stars; one submission).

Conditions:
Hearing impairment. Also called: Impaired Hearing. Identifiers: MedGen C1384666, MONDO:0005365, HP:0000365.

Submission:

Department of Otolaryngology – Head & Neck Surgery, Cochlear Implant Center
Classification: Uncertain significance for Hearing impairment. Last evaluated: 2021-04-12. Review status: criteria provided, single submitter. Criteria: ClinGen HL ACMG Specifications v1. Collection method: clinical testing. Allele origin: germline. Affected: yes.
Comment: PM2_Moderate, PP3_Supporting